The following is an entry in ClinVar:

NM_007294.4(BRCA1):c.190_191insAATGTAAGGATGATATAAA (p.Cys64Ter)

Gene: BRCA1 (BRCA1 DNA repair associated; minus strand). Cytogenetic location: 17q21.31.
Variant type: Insertion.
Coding change: c.190_191insAATGTAAGGATGATATAAA on transcript NM_007294.4 (MANE Select); coding-DNA positions 190 to 191, AATGTAAGGATGATATAAA inserted.
Protein change: p.Cys64Ter; replaces cysteine 64 with a stop codon.
Molecular consequence: nonsense. On other transcripts: frameshift variant (270), non-coding transcript variant (1).
Genome position: GRCh38 VCF-style: chr17-43106477-C-CTTTATATCATCCTTACATT. GRCh37 (hg19) VCF-style: chr17-41258494-C-CTTTATATCATCCTTACATT.
Other names: c.190_191insAATGTAAGGATGATATAAA, p.Cys64Terfs (NM_001407631.1, NM_001407632.1, NM_001407633.1 and 166 more transcripts); c.49_50insAATGTAAGGATGATATAAA, p.Cys17Terfs (NM_001407692.1, NM_001407694.1, NM_001407695.1 and 98 more transcripts); c.2_2+1insAATGTAAGGATGATATAAA, p.Met1(?) (NM_001407853.1, NM_001407879.1, NM_001407881.1 and 58 more transcripts); c.49_50insAATGTAAGGATGATATAAA, p.Cys17Ter (NM_007297.4); c.190_191insAATGTAAGGATGATATAAA, p.Cys64Ter (NM_007299.4, NM_007300.4); short protein forms C64*, C17*.
Identifiers: ClinVar variation 548178 (VCV000548178.2), dbSNP rs1555597215, ClinGen allele CA658823838.
Genomic context (GRCh38, chr17:43,106,477, plus strand): 5'-TGGTTGCTTCCAACCTAGCATCATTACCAAATTATATACCTTTTGGTTATATCATTCTTA[C>CTTTATATCATCCTTACATT]ATAAAGGACACTGTGAAGGCCCTTTCTTCTGGTTGAGAAGTTTCAGCATGCAAAATCTAT-3'

ClinVar aggregate classification (germline): Pathogenic (3 of 4 stars; one submission).

Conditions:
Breast-ovarian cancer, familial, susceptibility to, 1 (BROVCA1). Also called: BRCA1 Hereditary Breast and Ovarian Cancer; OVARIAN CANCER, SUSCEPTIBILITY TO. Identifiers: Orphanet 145, MedGen C2676676, MONDO:0011450, OMIM 604370. Disease mechanism: loss of function.

Submission:

Evidence-based Network for the Interpretation of Germline Mutant Alleles (ENIGMA)
Classification: Pathogenic for Breast-ovarian cancer, familial, susceptibility to, 1. Last evaluated: 2017-12-15. Review status: reviewed by expert panel. Criteria: ENIGMA BRCA1/2 Classification Criteria (2017-06-29). Collection method: curation. Allele origin: germline. Study: ENIGMA.
Comment: Variant allele predicted to encode a truncated non-functional protein.